The following is an entry in ClinVar:

NM_007254.4(PNKP):c.688G>A (p.Glu230Lys)

Gene: PNKP (polynucleotide kinase 3'-phosphatase; minus strand). Cytogenetic location: 19q13.33.
Variant type: single nucleotide variant.
Coding change: c.688G>A on transcript NM_007254.4 (MANE Select); coding-DNA position 688, G replaced by A.
Protein change: p.Glu230Lys; replaces glutamic acid 230 with lysine.
Molecular consequence: missense variant.
Genome position (GRCh38, 1-based): chr19:49,864,020, C>T on the plus strand (G>A on the coding strand, the complement: PNKP is on the minus strand). VCF-style: chr19-49864020-C-T. GRCh37 (hg19) VCF-style: chr19-50367277-C-T.
Other names: short protein forms E230K.
Identifiers: ClinVar variation 1471893 (VCV001471893.5), dbSNP rs768745851, ClinGen allele CA9586827.

ClinVar aggregate classification (germline): Uncertain significance (1 of 4 stars; one submission).

Conditions:
Developmental and epileptic encephalopathy, 12 (DEE12). Identifiers: MedGen C3150988, MONDO:0013389, OMIM 613722.

Allele frequency attached by ClinVar (database versions not stated): ExAC 0.00001; gnomAD exomes 0.00001; TOPMed 0.00001.

Submission:

Labcorp Genetics (formerly Invitae), Labcorp
Classification: Uncertain significance for Developmental and epileptic encephalopathy, 12. Last evaluated: 2022-08-22. Review status: criteria provided, single submitter. Criteria: Invitae Variant Classification Sherloc (09022015). Collection method: clinical testing. Allele origin: germline.
Comment: This sequence change replaces glutamic acid, which is acidic and polar, with lysine, which is basic and polar, at codon 230 of the PNKP protein (p.Glu230Lys). This variant is present in population databases (rs768745851, gnomAD 0.006%). This variant has not been reported in the literature in individuals affected with PNKP-related conditions. ClinVar contains an entry for this variant (Variation ID: 1471893). Algorithms developed to predict the effect of missense changes on protein structure and function output the following: SIFT: "Tolerated"; PolyPhen-2: "Benign"; Align-GVGD: "Class C0". The lysine amino acid residue is found in multiple mammalian species, which suggests that this missense change does not adversely affect protein function. In summary, the available evidence is currently insufficient to determine the role of this variant in disease. Therefore, it has been classified as a Variant of Uncertain Significance.